The following is an entry in ClinVar:

ClinVar aggregate classification (germline): Uncertain significance. Review status: criteria provided, multiple submitters, no conflicts (2 of 4 stars). 3 submissions from 3 submitters: Uncertain significance (3). Last evaluated 2025-04-19.

Conditions:
Ataxia-telangiectasia syndrome (AT). Also called: Cerebello-oculocutaneous telangiectasia; Immunodeficiency with ataxia telangiectasia; ATAXIA-TELANGIECTASIA, COMPLEMENTATION GROUP A; ATAXIA-TELANGIECTASIA, FRESNO VARIANT; Ataxia-telangiectasia, complementation group E; LOUIS-BAR SYNDROME. Identifiers: Orphanet 100, MedGen C0004135, MONDO:0008840, OMIM 208900.
Hereditary cancer-predisposing syndrome. Also called: Neoplastic Syndromes, Hereditary; Hereditary Cancer Syndrome; Tumor predisposition; Hereditary neoplastic syndrome. Identifiers: Orphanet 140162, MedGen C0027672, MeSH D009386, MONDO:0015356.

Submissions (3):

Ambry Genetics
Classification: Uncertain significance for Hereditary cancer-predisposing syndrome. Last evaluated: 2025-04-19. Review status: criteria provided, single submitter. Criteria: Ambry Variant Classification Scheme 2023. Collection method: clinical testing. Allele origin: germline.
Comment: The p.L930I variant (also known as c.2788T>A), located in coding exon 17 of the ATM gene, results from a T to A substitution at nucleotide position 2788. The leucine at codon 930 is replaced by isoleucine, an amino acid with highly similar properties. This amino acid position is conserved. In addition, the in silico prediction for this alteration is inconclusive. Based on the available evidence, the clinical significance of this variant remains unclear.

Color Diagnostics, LLC DBA Color Health
Classification: Uncertain significance for Hereditary cancer-predisposing syndrome. Last evaluated: 2024-01-28. Review status: criteria provided, single submitter. Criteria: ACMG Guidelines, 2015. Collection method: clinical testing. Allele origin: germline.
Comment: This missense variant replaces leucine with isoleucine at codon 930 of the ATM protein. Computational prediction suggests that this variant may not impact protein structure and function (internally defined REVEL score threshold <= 0.5, PMID: 27666373). To our knowledge, functional studies have not been reported for this variant. This variant has not been reported in individuals affected with ATM-related disorders in the literature. This variant has not been identified in the general population by the Genome Aggregation Database (gnomAD). The available evidence is insufficient to determine the role of this variant in disease conclusively. Therefore, this variant is classified as a Variant of Uncertain Significance.

Labcorp Genetics (formerly Invitae), Labcorp
Classification: Uncertain significance for Ataxia-telangiectasia syndrome. Last evaluated: 2021-08-26. Review status: criteria provided, single submitter. Criteria: Invitae Variant Classification Sherloc (09022015). Collection method: clinical testing. Allele origin: germline.
Comment: This sequence change replaces leucine with isoleucine at codon 930 of the ATM protein (p.Leu930Ile). The leucine residue is highly conserved and there is a small physicochemical difference between leucine and isoleucine. This variant is not present in population databases (ExAC no frequency). This variant has not been reported in the literature in individuals affected with ATM-related conditions. Advanced modeling of protein sequence and biophysical properties (such as structural, functional, and spatial information, amino acid conservation, physicochemical variation, residue mobility, and thermodynamic stability) performed at Invitae indicates that this missense variant is not expected to disrupt ATM protein function. In summary, the available evidence is currently insufficient to determine the role of this variant in disease. Therefore, it has been classified as a Variant of Uncertain Significance.

NM_000051.4(ATM):c.2788T>A (p.Leu930Ile)

Gene: ATM (ATM serine/threonine kinase; plus strand). Cytogenetic location: 11q22.3.
Variant type: single nucleotide variant.
Coding change: c.2788T>A on transcript NM_000051.4 (MANE Select); coding-DNA position 2788, T replaced by A.
Protein change: p.Leu930Ile; replaces leucine 930 with isoleucine.
Molecular consequence: missense variant.
Genome position (GRCh38, 1-based): chr11:108,268,559, T>A. VCF-style: chr11-108268559-T-A. GRCh37 (hg19) VCF-style: chr11-108139286-T-A.
Other names: c.2788T>A, p.Leu930Ile (NM_001351834.2); c.2788T>A (NM_000051.3); short protein forms L930I.
Identifiers: ClinVar variation 1516887 (VCV001516887.7), dbSNP rs2135526232, ClinGen allele CA382545596.